The following is an entry in ClinVar:

NM_001744.6(CAMK4):c.188G>A (p.Cys63Tyr)

Gene: CAMK4 (calcium/calmodulin dependent protein kinase IV; plus strand). Cytogenetic location: 5q22.1.
Variant type: single nucleotide variant.
Coding change: c.188G>A on transcript NM_001744.6 (MANE Select); coding-DNA position 188, G replaced by A.
Protein change: p.Cys63Tyr; replaces cysteine 63 with tyrosine.
Molecular consequence: missense variant. On other transcripts: 5 prime UTR variant (2).
Genome position (GRCh38, 1-based): chr5:111,344,050, G>A. VCF-style: chr5-111344050-G-A. GRCh37 (hg19) VCF-style: chr5-110679748-G-A.
Other names: c.188G>A, p.Cys63Tyr (NM_001323374.2, NM_001323375.2); c.-258G>A (NM_001323376.2); c.-321G>A (NM_001323377.2); short protein forms C63Y.
Identifiers: ClinVar variation 3368120 (VCV003368120.1).

ClinVar aggregate classification (germline): Uncertain significance (1 of 4 stars; one submission).

gnomAD v4.1: 1 of 1,607,042 alleles (0.000062%); highest among the groups gnomAD compares: Non-Finnish European, 0.000085%; no homozygotes.

Submission:

GeneDx
Classification: Uncertain significance. Last evaluated: 2024-01-23. Review status: criteria provided, single submitter. Criteria: GeneDx Variant Classification Process June 2021. Collection method: clinical testing. Allele origin: germline. Affected: yes.
Comment: Not observed at significant frequency in large population cohorts (gnomAD); In silico analysis supports that this missense variant has a deleterious effect on protein structure/function; Has not been previously published as pathogenic or benign to our knowledge